The following is an entry in ClinVar:

NM_001134363.3(RBM20):c.1807G>A (p.Gly603Arg)

Gene: RBM20 (RNA binding motif protein 20; plus strand). Cytogenetic location: 10q25.2.
Variant type: single nucleotide variant.
Coding change: c.1807G>A on transcript NM_001134363.3 (MANE Select); coding-DNA position 1807, G replaced by A.
Protein change: p.Gly603Arg; replaces glycine 603 with arginine.
Molecular consequence: missense variant.
Genome position (GRCh38, 1-based): chr10:110,810,389, G>A. VCF-style: chr10-110810389-G-A. GRCh37 (hg19) VCF-style: chr10-112570147-G-A.
Other names: c.1807G>A (LRG_382t1); short protein forms G603R.
Identifiers: ClinVar variation 263763 (VCV000263763.22), dbSNP rs558674954, ClinGen allele CA5688635.
Genomic context (GRCh38, chr10:110,810,389, plus strand): 5'-CAGGTGTTTGCAAGGCCATCTCTGATCTGATGGTGATCTCTCTGACTTTGCTAGAAACCC[G>A]GGAAGGCCGTGGCTGCCATCATCCAGGACATCCATTCCCAGAGGGAGAGGGACATGTTCC-3'
Protein context (NP_001127835.2, residues 593-613): RYKELQLKKP[Gly603Arg]KAVAAIIQDI

ClinVar aggregate classification (germline): Conflicting classifications of pathogenicity. Review status: criteria provided, conflicting classifications (1 of 4 stars). 4 submissions from 4 submitters: Uncertain significance (1); Likely benign (3). Last evaluated 2025-11-21.

Conditions:
Cardiovascular phenotype. Identifiers: MedGen CN230736.
Dilated cardiomyopathy 1DD (CMD1DD). Identifiers: Orphanet 154, MedGen C2750995, MONDO:0013168, OMIM 613172.

Allele frequency attached by ClinVar (database versions not stated): ExAC 0.00005; TOPMed 0.00012; gnomAD 0.00025 and 0.00027; gnomAD exomes 0.00017 and 0.00005; 1000 Genomes Project 30x 0.00016; 1000 Genomes Project 0.00020.
gnomAD v4.1: 105 of 1,551,230 alleles (0.0068%); highest among the groups gnomAD compares: Admixed American, 0.082%; no homozygotes.

Submissions (4):

Labcorp Genetics (formerly Invitae), Labcorp
Classification: Likely benign for Dilated cardiomyopathy 1DD. Last evaluated: 2025-11-21. Review status: criteria provided, single submitter. Criteria: Invitae Variant Classification Sherloc (09022015). Collection method: clinical testing. Allele origin: germline.

Women's Health and Genetics/Laboratory Corporation of America, LabCorp
Classification: Likely benign. Last evaluated: 2025-01-17. Review status: criteria provided, single submitter. Criteria: LabCorp Variant Classification Summary - May 2015. Collection method: clinical testing. Allele origin: germline.
Comment: Variant summary: RBM20 c.1807G>A (p.Gly603Arg) results in a non-conservative amino acid change in the encoded protein sequence. Five of five in-silico tools predict a damaging effect of the variant on protein function. The variant allele was found at a frequency of 0.00017 in 156524 control chromosomes. The observed variant frequency is approximately 4 fold of the estimated maximal expected allele frequency for a pathogenic variant in RBM20 causing Dilated Cardiomyopathy phenotype (4.7e-05). c.1807G>A has been reported in the literature in individuals affected with Dilated Cardiomyopathy (Fomin_2021). These report(s) do not provide unequivocal conclusions about association of the variant with Dilated Cardiomyopathy. Co-occurrences with other pathogenic variant(s) have been reported (TTN c.71005A>T, p.Lys23559Ter; RBM20 c.2374dupG, p.Glu792GlyfsTer9), providing supporting evidence for a benign role. To our knowledge, no experimental evidence demonstrating an impact on protein function has been reported. The following publication have been ascertained in the context of this evaluation (PMID: 34731013). ClinVar contains an entry for this variant (Variation ID: 263763). Based on the evidence outlined above, the variant was classified as likely benign.

GeneDx
Classification: Uncertain significance. Last evaluated: 2024-09-04. Review status: criteria provided, single submitter. Criteria: GeneDx Variant Classification Process June 2021. Collection method: clinical testing. Allele origin: germline. Affected: yes.
Comment: Reported in an abstract in a patient diagnosed with DCM; however, the specific nucleotide substitution resulting in the G603R missense change was not provided and this individual also harbored additional cardiac variants, including a TTN nonsense variant (Gartner-Rommel et al. Clin Res Cardiol 107, Suppl 1, April 2018); Expression studies using myocardial cells from a patient with aggressive DCM showed aberrant splicing of RBM20 target genes (Gartner-Rommel et al. Clin Res Cardiol 107, Suppl 1, April 2018); In silico analysis supports that this missense variant has a deleterious effect on protein structure/function; This variant is associated with the following publications: (PMID: Grtner-Rommel2018)

Ambry Genetics
Classification: Likely benign for Cardiovascular phenotype. Last evaluated: 2020-09-17. Review status: criteria provided, single submitter. Criteria: Ambry Variant Classification Scheme 2023. Collection method: clinical testing. Allele origin: germline.

Literature cited by the submitters: PubMed 34731013 (cited by Women's Health and Genetics/Laboratory Corporation of America, LabCorp); PubMed 20590677 (cited by Ambry Genetics).